The following is an entry in ClinVar:

NM_000287.4(PEX6):c.2672A>G (p.Lys891Arg)

Gene: PEX6 (peroxisomal biogenesis factor 6; minus strand). Cytogenetic location: 6p21.1.
Variant type: single nucleotide variant.
Coding change: c.2672A>G on transcript NM_000287.4 (MANE Select); coding-DNA position 2672, A replaced by G.
Protein change: p.Lys891Arg; replaces lysine 891 with arginine.
Molecular consequence: missense variant. On other transcripts: non-coding transcript variant (1).
Genome position (GRCh38, 1-based): chr6:42,964,924, T>C on the plus strand (A>G on the coding strand, the complement: PEX6 is on the minus strand). VCF-style: chr6-42964924-T-C. GRCh37 (hg19) VCF-style: chr6-42932662-T-C.
Other names: c.2672A>G (NM_000287.3); c.2408A>G, p.Lys803Arg (NM_001316313.2); short protein forms K891R, K803R.
Identifiers: ClinVar variation 291199 (VCV000291199.9), dbSNP rs886044685, ClinGen allele CA10607058.

ClinVar aggregate classification (germline): Uncertain significance. Review status: criteria provided, multiple submitters, no conflicts (2 of 4 stars). 3 submissions from 3 submitters: Uncertain significance (3). Last evaluated 2023-10-13.

Conditions:
Peroxisome biogenesis disorder. Identifiers: Orphanet 79189, MedGen C1832200, MONDO:0019234. Disease mechanism: loss of function.
Inborn genetic diseases. Identifiers: MedGen C0950123, MeSH D030342.

Allele frequency attached by ClinVar (database versions not stated): gnomAD exomes below 0.00001 and 0.00001; gnomAD 0.00002; TOPMed 0.00002.

Submissions (3):

Labcorp Genetics (formerly Invitae), Labcorp
Classification: Uncertain significance for Peroxisome biogenesis disorder. Last evaluated: 2023-10-13. Review status: criteria provided, single submitter. Criteria: Invitae Variant Classification Sherloc (09022015). Collection method: clinical testing. Allele origin: germline.
Comment: This sequence change replaces lysine, which is basic and polar, with arginine, which is basic and polar, at codon 891 of the PEX6 protein (p.Lys891Arg). This variant is present in population databases (no rsID available, gnomAD 0.007%). This variant has not been reported in the literature in individuals affected with PEX6-related conditions. ClinVar contains an entry for this variant (Variation ID: 291199). Advanced modeling of protein sequence and biophysical properties (such as structural, functional, and spatial information, amino acid conservation, physicochemical variation, residue mobility, and thermodynamic stability) performed at Invitae indicates that this missense variant is not expected to disrupt PEX6 protein function. In summary, the available evidence is currently insufficient to determine the role of this variant in disease. Therefore, it has been classified as a Variant of Uncertain Significance.

Ambry Genetics
Classification: Uncertain significance for Inborn genetic diseases. Last evaluated: 2021-07-21. Review status: criteria provided, single submitter. Criteria: Ambry Variant Classification Scheme 2023. Collection method: clinical testing. Allele origin: germline.

Eurofins Ntd Llc (ga)
Classification: Uncertain significance. Last evaluated: 2016-09-14. Review status: criteria provided, single submitter. Criteria: EGL Classification Definitions 2015. Collection method: clinical testing. Allele origin: germline. Observed: 1 variant allele, 1 heterozygote.